The following is an entry in ClinVar:

NM_000264.5(PTCH1):c.3307-1G>A

Gene: PTCH1 (patched 1; minus strand). Cytogenetic location: 9q22.32.
Variant type: single nucleotide variant.
Coding change: c.3307-1G>A on transcript NM_000264.5 (MANE Select); the canonical splice acceptor site of the intron before coding-DNA position 3307, G replaced by A.
Molecular consequence: splice acceptor variant.
Genome position (GRCh38, 1-based): chr9:95,453,621, C>T on the plus strand (G>A on the coding strand, the complement: PTCH1 is on the minus strand). VCF-style: chr9-95453621-C-T. GRCh37 (hg19) VCF-style: chr9-98215903-C-T.
Other names: c.3304-1G>A (NM_001083603.3); c.3109-1G>A (NM_001083602.3); c.3151-1G>A (NM_001354918.2); c.2854-1G>A (NM_001083605.3, NM_001083604.3, NM_001083606.3 and 1 more transcripts).
Identifiers: ClinVar variation 1068316 (VCV001068316.8), dbSNP rs2136632449, ClinGen allele CA374111939.

ClinVar aggregate classification (germline): Likely pathogenic (1 of 4 stars; one submission).
ClinVar aggregate classification (oncogenicity): Likely oncogenic (1 of 4 stars; one submission).

Conditions:
Gorlin syndrome. Also called: Nevoid Basal Cell Carcinoma Syndrome; Basal cell nevus syndrome. Identifiers: Orphanet 377, MedGen C0004779, MONDO:0007187.
Neoplasm. Also called: tumor; Neoplasms; Neoplasm (disease). Identifiers: MedGen C0027651, MeSH D009369, MONDO:0005070, HP:0002664.

Submissions (2):

Center for Genomic Medicine, Rigshospitalet, Copenhagen University Hospital
Classification: Likely oncogenic for Neoplasm. Last evaluated: 2025-12-29. Review status: criteria provided, single submitter. Criteria: ClinGen/CGC/VICC Guidelines for Oncogenicity, 2022. Collection method: clinical testing. Allele origin: somatic. Affected: yes.

Labcorp Genetics (formerly Invitae), Labcorp
Classification: Likely pathogenic for Gorlin syndrome. Last evaluated: 2020-06-08. Review status: criteria provided, single submitter. Criteria: Invitae Variant Classification Sherloc (09022015). Collection method: clinical testing. Allele origin: germline.
Comment: Donor and acceptor splice site variants typically lead to a loss of protein function (PMID: 16199547), and loss-of-function variants in PTCH1 are known to be pathogenic (PMID: 16301862, 16419085). This sequence change affects an acceptor splice site in intron 19 of the PTCH1 gene. It is expected to disrupt RNA splicing and likely results in an absent or disrupted protein product. This variant is not present in population databases (ExAC no frequency). This variant has not been reported in the literature in individuals with PTCH1-related conditions. Algorithms developed to predict the effect of sequence changes on RNA splicing suggest that this variant may disrupt the consensus splice site, but this prediction has not been confirmed by published transcriptional studies. In summary, the currently available evidence indicates that the variant is pathogenic, but additional data are needed to prove that conclusively. Therefore, this variant has been classified as Likely Pathogenic.

Literature cited by the submitters: PubMed 16199547 (cited by Labcorp Genetics (formerly Invitae), Labcorp); PubMed 16301862 (cited by Labcorp Genetics (formerly Invitae), Labcorp); PubMed 16419085 (cited by Labcorp Genetics (formerly Invitae), Labcorp).